The following is an entry in ClinVar:

ClinVar aggregate classification (germline): Uncertain significance (1 of 4 stars; one submission).

Submission:

Labcorp Genetics (formerly Invitae), Labcorp
Classification: Uncertain significance. Last evaluated: 2024-07-08. Review status: criteria provided, single submitter. Criteria: Invitae Variant Classification Sherloc (09022015). Collection method: clinical testing. Allele origin: germline.
Comment: This sequence change replaces threonine, which is neutral and polar, with asparagine, which is neutral and polar, at codon 932 of the ALPK3 protein (p.Thr932Asn). This variant is not present in population databases (gnomAD no frequency). This variant has not been reported in the literature in individuals affected with ALPK3-related conditions. An algorithm developed to predict the effect of missense changes on protein structure and function (PolyPhen-2) suggests that this variant is likely to be tolerated. In summary, the available evidence is currently insufficient to determine the role of this variant in disease. Therefore, it has been classified as a Variant of Uncertain Significance.

NM_020778.5(ALPK3):c.2189C>A (p.Thr730Asn)

Gene: ALPK3 (alpha kinase 3; plus strand). Cytogenetic location: 15q25.3.
Variant type: single nucleotide variant.
Coding change: c.2189C>A on transcript NM_020778.5 (MANE Select); coding-DNA position 2189, C replaced by A.
Protein change: p.Thr730Asn; replaces threonine 730 with asparagine.
Molecular consequence: missense variant.
Genome position (GRCh38, 1-based): chr15:84,856,927, C>A. VCF-style: chr15-84856927-C-A. GRCh37 (hg19) VCF-style: chr15-85400158-C-A.
Other names: short protein forms T730N.
Identifiers: ClinVar variation 3658978 (VCV003658978.2).